The following is an entry in ClinVar:

NM_002087.4(GRN):c.781C>T (p.Leu261Phe)

Gene: GRN (granulin precursor; plus strand). Cytogenetic location: 17q21.31.
Variant type: single nucleotide variant.
Coding change: c.781C>T on transcript NM_002087.4 (MANE Select); coding-DNA position 781, C replaced by T.
Protein change: p.Leu261Phe; replaces leucine 261 with phenylalanine.
Molecular consequence: missense variant.
Genome position (GRCh38, 1-based): chr17:44,351,109, C>T. VCF-style: chr17-44351109-C-T. GRCh37 (hg19) VCF-style: chr17-42428477-C-T.
Other names: short protein forms L261F.
Identifiers: ClinVar variation 2060706 (VCV002060706.6), dbSNP rs63750435, ClinGen allele CA290926150.

ClinVar aggregate classification (germline): Uncertain significance. Review status: criteria provided, multiple submitters, no conflicts (2 of 4 stars). 3 submissions from 3 submitters: Uncertain significance (3). Last evaluated 2025-03-17.

Conditions:
GRN-related frontotemporal lobar degeneration with Tdp43 inclusions (FTD2). Also called: DEMENTIA, HEREDITARY DYSPHASIC DISINHIBITION; FRONTOTEMPORAL LOBAR DEGENERATION WITH UBIQUITIN-POSITIVE INCLUSIONS; FTLD-TDP, GRN-RELATED; GRN Frontotemporal Dementia; FRONTOTEMPORAL DEMENTIA WITH TDP43 INCLUSIONS, GRN-RELATED. Identifiers: Orphanet 100070, Orphanet 282, MedGen C1843792, MONDO:0011842, OMIM 607485. Disease mechanism: loss of function.
Neuronal ceroid lipofuscinosis 11. Also called: GRN-Related Neuronal Ceroid-Lipofuscinosis. Identifiers: Orphanet 314629, Orphanet 79262, MedGen C3539123, MONDO:0013866, OMIM 614706.
Inborn genetic diseases. Identifiers: MedGen C0950123, MeSH D030342.

Allele frequency attached by ClinVar (database versions not stated): TOPMed 0.00004; gnomAD 0.00005.

Submissions (3):

Labcorp Genetics (formerly Invitae), Labcorp
Classification: Uncertain significance for Neuronal ceroid lipofuscinosis 11; GRN-related frontotemporal lobar degeneration with Tdp43 inclusions. Last evaluated: 2025-03-17. Review status: criteria provided, single submitter. Criteria: Invitae Variant Classification Sherloc (09022015). Collection method: clinical testing. Allele origin: germline.
Comment: This sequence change replaces leucine, which is neutral and non-polar, with phenylalanine, which is neutral and non-polar, at codon 261 of the GRN protein (p.Leu261Phe). This variant is present in population databases (no rsID available, gnomAD 0.01%). This variant has not been reported in the literature in individuals affected with GRN-related conditions. ClinVar contains an entry for this variant (Variation ID: 2060706). Invitae Evidence Modeling of protein sequence and biophysical properties (such as structural, functional, and spatial information, amino acid conservation, physicochemical variation, residue mobility, and thermodynamic stability) indicates that this missense variant is not expected to disrupt GRN protein function with a negative predictive value of 80%. In summary, the available evidence is currently insufficient to determine the role of this variant in disease. Therefore, it has been classified as a Variant of Uncertain Significance.

Ambry Genetics
Classification: Uncertain significance for Inborn genetic diseases. Last evaluated: 2024-09-02. Review status: criteria provided, single submitter. Criteria: Ambry Variant Classification Scheme 2023. Collection method: clinical testing. Allele origin: germline.

Blueprint Genetics
Classification: Uncertain significance. Last evaluated: 2019-03-06. Review status: criteria provided, single submitter. Criteria: ACMG Guidelines, 2015. Collection method: clinical testing. Allele origin: germline.